The following is an entry in ClinVar:

ClinVar aggregate classification (germline): Uncertain significance (1 of 4 stars; one submission).

Conditions:
Cardiomyopathy (CMYO). Also called: Cardiomyopathies. Identifiers: Orphanet 167848, MedGen C0878544, MONDO:0004994, HP:0001638. Inheritance: Various modes of inheritance.

Allele frequency attached by ClinVar (database versions not stated): gnomAD exomes below 0.00001.

Submission:

Color Diagnostics, LLC DBA Color Health
Classification: Uncertain significance for Cardiomyopathy. Last evaluated: 2023-12-05. Review status: criteria provided, single submitter. Criteria: ACMG Guidelines, 2015. Collection method: clinical testing. Allele origin: germline.
Comment: This missense variant replaces lysine with glutamic acid at codon 559 of the MYBPC3 protein. Computational prediction tools and conservation analyses are inconclusive regarding the impact of this variant on the protein function. Computational splicing tools suggest that this variant may not impact RNA splicing. To our knowledge, functional assays have not been performed for this variant nor has this variant been reported in individuals affected with cardiovascular disorders in the literature. This variant has not been identified in the general population by the Genome Aggregation Database (gnomAD). Available evidence is insufficient to determine the role of this variant in disease conclusively. Therefore, this variant is classified as a Variant of Uncertain Significance.

NM_000256.3(MYBPC3):c.1675A>G (p.Lys559Glu)

Gene: MYBPC3 (myosin binding protein C3; minus strand). Cytogenetic location: 11p11.2.
Variant type: single nucleotide variant.
Coding change: c.1675A>G on transcript NM_000256.3 (MANE Select); coding-DNA position 1675, A replaced by G.
Protein change: p.Lys559Glu; replaces lysine 559 with glutamic acid.
Molecular consequence: missense variant.
Genome position (GRCh38, 1-based): chr11:47,342,106, T>C on the plus strand (A>G on the coding strand, the complement: MYBPC3 is on the minus strand). VCF-style: chr11-47342106-T-C. GRCh37 (hg19) VCF-style: chr11-47363657-T-C.
Other names: short protein forms K559E.
Identifiers: ClinVar variation 924736 (VCV000924736.5), dbSNP rs2095889250, ClinGen allele CA380324400.